The following is an entry in ClinVar:

NM_001005242.3(PKP2):c.236G>A (p.Arg79Gln)

Gene: PKP2 (plakophilin 2; minus strand). Cytogenetic location: 12p11.21.
Variant type: single nucleotide variant.
Coding change: c.236G>A on transcript NM_001005242.3 (MANE Select); coding-DNA position 236, G replaced by A.
Protein change: p.Arg79Gln; replaces arginine 79 with glutamine.
Molecular consequence: missense variant.
Genome position (GRCh38, 1-based): chr12:32,879,020, C>T on the plus strand (G>A on the coding strand, the complement: PKP2 is on the minus strand). VCF-style: chr12-32879020-C-T. GRCh37 (hg19) VCF-style: chr12-33031954-C-T.
Other names: c.236G>A, p.Arg79Gln (NM_004572.4); short protein forms R79Q.
Identifiers: ClinVar variation 533036 (VCV000533036.16), dbSNP rs766802880, ClinGen allele CA034998.

ClinVar aggregate classification (germline): Uncertain significance. Review status: criteria provided, multiple submitters, no conflicts (2 of 4 stars). 6 submissions from 6 submitters: Uncertain significance (6). Last evaluated 2026-05-19.

Conditions:
Arrhythmogenic right ventricular dysplasia 9 (ARVD9). Also called: Arrhythmogenic Right Ventricular Dysplasia/Cardiomyopathy 9; ARRHYTHMOGENIC RIGHT VENTRICULAR DYSPLASIA, FAMILIAL, 9. Identifiers: MedGen C1836906, MONDO:0012180, OMIM 609040.
Arrhythmogenic right ventricular cardiomyopathy (ARVD). Also called: Arrhythmogenic cardiomyopathy; Arrhythmogenic Right Ventricular Cardiomyopathy (ARVC); Cardiomyopathy, ARVC; Arrhythmogenic right ventricular dysplasia. Identifiers: Orphanet 247, MedGen C0349788, MeSH D019571, MONDO:0016587. Disease mechanism: loss of function. Inheritance: Various modes of inheritance.
Cardiomyopathy (CMYO). Also called: Cardiomyopathies. Identifiers: Orphanet 167848, MedGen C0878544, MONDO:0004994, HP:0001638. Inheritance: Various modes of inheritance.
PKP2-related disorder. Also called: PKP2-related condition.
Cardiovascular phenotype. Identifiers: MedGen CN230736.

Allele frequency attached by ClinVar (database versions not stated): ExAC 0.00002; gnomAD exomes 0.00002 and 0.00003; gnomAD 0.00003; TOPMed 0.00004.
gnomAD v4.1: 45 of 1,579,512 alleles (0.0028%); highest among the groups gnomAD compares: Admixed American, 0.0083%; no homozygotes.

Submissions (6):

Ambry Genetics
Classification: Uncertain significance for Cardiovascular phenotype. Last evaluated: 2026-05-19. Review status: criteria provided, single submitter. Criteria: Ambry Variant Classification Scheme 2023. Collection method: clinical testing. Allele origin: germline.
Comment: The c.236G>A (p.R79Q) alteration is located in exon 2 (coding exon 2) of the PKP2 gene. This alteration results from a G to A substitution at nucleotide position 236, causing the arginine (R) at amino acid position 79 to be replaced by a glutamine (Q). Based on data from gnomAD, the A allele has an overall frequency of 0.003% (7/282746) total alleles studied. The highest observed frequency was 0.014% (1/7222) of Other alleles. Based on insufficient or conflicting evidence, the clinical significance of this alteration remains unclear.

PreventionGenetics, part of Exact Sciences
Classification: Uncertain significance for PKP2-related condition. Last evaluated: 2026-05-04. Review status: criteria provided, single submitter. Criteria: ACMG Guidelines, 2015. Collection method: clinical testing. Allele origin: germline.
Comment: The PKP2 c.236G>A variant is predicted to result in the amino acid substitution p.Arg79Gln. This variant was reported in an individual with arrhythmogenic right ventricular cardiomyopathy (Supplementary Data, Dries et al. 2021. PubMed ID: 34120153) and in a cohort of individuals with dilated cardiomyopathy (Supplementary Data, Rieger et al. 2019. PubMed ID: 31648988). This variant is reported in 0.0056% of alleles in individuals of Latino descent in gnomAD. At this time, the clinical significance of this variant is uncertain due to the absence of conclusive functional and genetic evidence.

Labcorp Genetics (formerly Invitae), Labcorp
Classification: Uncertain significance for Arrhythmogenic right ventricular dysplasia 9. Last evaluated: 2025-12-16. Review status: criteria provided, single submitter. Criteria: Invitae Variant Classification Sherloc (09022015). Collection method: clinical testing. Allele origin: germline.
Comment: This sequence change replaces arginine, which is basic and polar, with glutamine, which is neutral and polar, at codon 79 of the PKP2 protein (p.Arg79Gln). This variant is present in population databases (rs766802880, gnomAD 0.006%). This missense change has been observed in individual(s) with arrhythmogenic right ventricular cardiomyopathy and/or dilated cardiomyopathy (PMID: 31648988, 34120153). ClinVar contains an entry for this variant (Variation ID: 533036). An algorithm developed to predict the effect of missense changes on protein structure and function (PolyPhen-2) suggests that this variant is likely to be tolerated. In summary, the available evidence is currently insufficient to determine the role of this variant in disease. Therefore, it has been classified as a Variant of Uncertain Significance.

Women's Health and Genetics/Laboratory Corporation of America, LabCorp
Classification: Uncertain significance. Last evaluated: 2025-06-23. Review status: criteria provided, single submitter. Criteria: LabCorp Variant Classification Summary - May 2015. Collection method: clinical testing. Allele origin: germline.
Comment: Variant summary: PKP2 c.236G>A (p.Arg79Gln) results in a conservative amino acid change in the encoded protein sequence. Algorithms developed to predict the effect of missense changes on protein structure and function are either unavailable or do not agree on the potential impact of this missense change. The variant allele was found at a frequency of 2.4e-05 in 251346 control chromosomes (gnomAD). The available data on variant occurrences in the general population are insufficient to allow any conclusion about variant significance. c.236G>A has been observed in individuals affected with dilated cardiomyopathy and left ventricular noncompaction (Rieger_2019, Dries_2021). These reports do not provide unequivocal conclusions about association of the variant with Arrhythmogenic Right Ventricular Dysplasia/Cardiomyopathy. To our knowledge, no experimental evidence demonstrating an impact on protein function has been reported. The following publications have been ascertained in the context of this evaluation (PMID: 34120153, 31648988). ClinVar contains an entry for this variant (Variation ID: 533036). Based on the evidence outlined above, the variant was classified as uncertain significance.

All of Us Research Program, National Institutes of Health
Classification: Uncertain significance for Arrhythmogenic right ventricular cardiomyopathy. Last evaluated: 2024-08-29. Review status: criteria provided, single submitter. Criteria: ACMG Guidelines, 2015. Collection method: clinical testing. Allele origin: germline. Inheritance: Autosomal dominant inheritance. Observed: 9 variant alleles, 9 heterozygotes.
Comment: This missense variant replaces arginine with glutamine at codon 79 of the PKP2 protein. Computational prediction suggests that this variant may not impact protein structure and function (internally defined REVEL score threshold <= 0.5, PMID: 27666373). To our knowledge, functional studies have not been reported for this variant. This variant has not been reported in individuals affected with cardiovascular disorders in the literature. This variant has been identified in 7/282746 chromosomes in the general population by the Genome Aggregation Database (gnomAD). The available evidence is insufficient to determine the role of this variant in disease conclusively. Therefore, this variant is classified as a Variant of Uncertain Significance.

This study involves interpretation of variants in research participants for the purpose of population health screening. Participant phenotype was not available at the time of variant classification. Additional details can be found in publication PMID: 35346344, PMCID: PMC8962531

Color Diagnostics, LLC DBA Color Health
Classification: Uncertain significance for Cardiomyopathy. Last evaluated: 2024-03-07. Review status: criteria provided, single submitter. Criteria: ACMG Guidelines, 2015. Collection method: clinical testing. Allele origin: germline.
Comment: This missense variant replaces arginine with glutamine at codon 79 of the PKP2 protein. Computational prediction suggests that this variant may not impact protein structure and function (internally defined REVEL score threshold <= 0.5, PMID: 27666373). To our knowledge, functional studies have not been reported for this variant. This variant has not been reported in individuals affected with cardiovascular disorders in the literature. This variant has been identified in 7/282746 chromosomes in the general population by the Genome Aggregation Database (gnomAD). The available evidence is insufficient to determine the role of this variant in disease conclusively. Therefore, this variant is classified as a Variant of Uncertain Significance.

Literature cited by the submitters: PubMed 31648988 (cited by Labcorp Genetics (formerly Invitae), Labcorp and Women's Health and Genetics/Laboratory Corporation of America, LabCorp); PubMed 34120153 (cited by Labcorp Genetics (formerly Invitae), Labcorp and Women's Health and Genetics/Laboratory Corporation of America, LabCorp).